The following is an entry in ClinVar:

ClinVar aggregate classification (germline): Uncertain significance (1 of 4 stars; one submission).

Submission:

Women's Health and Genetics/Laboratory Corporation of America, LabCorp
Classification: Uncertain significance. Last evaluated: 2023-06-30. Review status: criteria provided, single submitter. Criteria: LabCorp Variant Classification Summary - May 2015. Collection method: clinical testing. Allele origin: germline.
Comment: Variant summary: The variant identified by MLPA or other technology involves the duplication of exons 1-3 in the SHOX gene, where exon 2 contains the initiation codon. A presumed nomenclature of c.(?_-692)_(486+1_487-1)dup has been designated for the purposes of this classification. It has been assumed that this is a tandem duplication in direct orientation (Richardson_GIM_2018, Newman_AJHG_2015). It cannot be accurately predicted if this duplication could disrupt the reading frame and/or affect SHOX expression or translation. The SHOX gene is located in a pseudoautosomal region of the X and Y chromosomes, and a duplication allele encompassing exons 1-3 along with an upstream region of ~234Kb was found at a frequency of 0.00032 in 21648 control chromosomes (gnomAD, Structural Variants dataset). Nevertheless, duplication of exons 1-3 (in most instances including upstream conserved non-coding elements [CNEs]), has been reported in the literature in individuals affected with variable phenotypes: short stature or Leri-Weill Dyschondrosteosis, Mayer-Rokitansky-Kuster-Hauser Syndrome, autism spectrum disorders and neurodevelopmental conditions (examples: Benito-Sanz_2011, Bunyan_2013, Fukami_2015, Tropeano_2016, Benito-Sanz_2017, Guerrier_2021). However, some of these studies report detection of the variant in unaffected family members (examples: Benito-Sanz_2011, Tropeano_2016). Expressivity of SHOX deficiency has been reported to be highly variable (see e.g. PMID: 21325865). These data indicate that the variant may be associated with disease. To our knowledge, no experimental evidence demonstrating an impact on protein function has been reported. The following publications have been ascertained in the context of this evaluation (PMID: 23636926, 26040210, 27073233, 21147883, 27604558; Guerrier et al. J Gen Med Gene Ther (2021) 4: 001-008 [No PMID]). One submitter has cited clinical-significance assessments for this variant to ClinVar after 2014 and has classified the variant as uncertain significance. Based on the evidence outlined above, the variant was classified as VUS-possibly pathogenic.

Literature cited by the submitters: PubMed 23636926; PubMed 21147883; PubMed 27604558; PubMed 26040210; PubMed 27073233.

NC_000023.10:g.(?_585078)_(595562_601555)dup

Gene: SHOX (SHOX homeobox; plus strand). Cytogenetic location: Xp22.33.
Variant type: Duplication.
Identifiers: ClinVar variation 2573410 (VCV002573410.1).